The following is an entry in ClinVar:

ClinVar aggregate classification (germline): Likely benign. Review status: criteria provided, multiple submitters, no conflicts (2 of 4 stars). 2 submissions from 2 submitters: Likely benign (2). Last evaluated 2026-01-01.

Allele frequency attached by ClinVar (database versions not stated): gnomAD exomes 0.00003 and 0.00010; gnomAD 0.00004 and 0.00005; TOPMed 0.00006; ESP Exome Variant Server 0.00008; ExAC 0.00011; 1000 Genomes Project 0.00040; 1000 Genomes Project 30x 0.00047.

Submissions (2):

CeGaT Center for Human Genetics Tuebingen
Classification: Likely benign. Last evaluated: 2026-01-01. Review status: criteria provided, single submitter. Criteria: CeGaT Center For Human Genetics Tuebingen Variant Classification Criteria Version 2. Collection method: clinical testing. Allele origin: germline. Affected: yes. Observed: 2 variant alleles.
Comment: CAMK2B: BP4, BP7

Labcorp Genetics (formerly Invitae), Labcorp
Classification: Likely benign. Last evaluated: 2025-10-16. Review status: criteria provided, single submitter. Criteria: Invitae Variant Classification Sherloc (09022015). Collection method: clinical testing. Allele origin: germline.

NM_001220.5(CAMK2B):c.1113G>A (p.Thr371=)

Gene: CAMK2B (calcium/calmodulin dependent protein kinase II beta; minus strand). Cytogenetic location: 7p13.
Variant type: single nucleotide variant.
Coding change: c.1113G>A on transcript NM_001220.5 (MANE Select); coding-DNA position 1113, G replaced by A.
Protein change: p.Thr371=; no amino-acid change (threonine 371 retained).
Molecular consequence: synonymous variant. On other transcripts: intron variant (3).
Genome position (GRCh38, 1-based): chr7:44,234,408, C>T on the plus strand (G>A on the coding strand, the complement: CAMK2B is on the minus strand). VCF-style: chr7-44234408-C-T. GRCh37 (hg19) VCF-style: chr7-44274007-C-T.
Other names: c.1113G>A, p.Thr371= (NM_001293170.2, NM_172078.3); c.1041G>A, p.Thr347= (NM_172079.3, NM_172081.3); c.1038G>A, p.Thr346= (NM_172080.3); c.946+6299G>A (NM_172084.3); c.987+231G>A (NM_172083.3); c.1059+231G>A (NM_172082.3).
Identifiers: ClinVar variation 1585215 (VCV001585215.32), dbSNP rs192939758, ClinGen allele CA4240473.